The following is an entry in ClinVar:

NC_000017.11:g.(?_58692634)_(58692798_?)del

Genes: RAD51C (RAD51 paralog C; plus strand), LOC130061310 (ATAC-STARR-seq lymphoblastoid active region 12491; plus strand). Cytogenetic location: 17q22.
Variant type: Deletion.
Identifiers: ClinVar variation 646951 (VCV000646951.2).

ClinVar aggregate classification (germline): Pathogenic (1 of 4 stars; one submission).

Conditions:
Fanconi anemia complementation group O. Also called: RAD51C-Related Fanconi Anemia. Identifiers: Orphanet 84, MedGen C3150653, MONDO:0013248, OMIM 613390.

Submission:

Labcorp Genetics (formerly Invitae), Labcorp
Classification: Pathogenic for Fanconi anemia complementation group O. Last evaluated: 2018-08-15. Review status: criteria provided, single submitter. Criteria: Invitae Variant Classification Sherloc (09022015). Collection method: clinical testing. Allele origin: germline.
Comment: This variant is a gross deletion of the genomic region encompassing exon 1 of the RAD51C gene, which includes the initiator codon. The 5' end of this event is unknown as it extends beyond the assayed region for this gene and therefore may encompass additional genes. The 3' boundary is likely confined to intron 1 of the RAD51C gene. This is expected to result in an absent or disrupted protein product. This variant has not been reported in the literature in individuals with RAD51C-related disease. Loss-of-function variants in RAD51C are known to be pathogenic (PMID: 20400964, 21990120, 24800917). For these reasons, this variant has been classified as Pathogenic.

Literature cited by the submitters: PubMed 20400964; PubMed 21990120; PubMed 24800917.